The following is an entry in ClinVar:

NM_030665.4(RAI1):c.2874G>A (p.Gly958=)

Gene: RAI1 (retinoic acid induced 1; plus strand). Cytogenetic location: 17p11.2.
Variant type: single nucleotide variant.
Coding change: c.2874G>A on transcript NM_030665.4 (MANE Select); coding-DNA position 2874, G replaced by A.
Protein change: p.Gly958=; no amino-acid change (glycine 958 retained).
Molecular consequence: synonymous variant.
Genome position (GRCh38, 1-based): chr17:17,795,822, G>A. VCF-style: chr17-17795822-G-A. GRCh37 (hg19) VCF-style: chr17-17699136-G-A.
Other names: c.2874G>A (NM_030665.3).
Identifiers: ClinVar variation 2717937 (VCV002717937.4), dbSNP rs1368305403, ClinGen allele CA498424354.

ClinVar aggregate classification (germline): Likely benign. Review status: criteria provided, multiple submitters, no conflicts (2 of 4 stars). 2 submissions from 2 submitters: Likely benign (2). Last evaluated 2026-02-22.

Conditions:
RAI1-related disorder. Also called: RAI1-related condition.

Allele frequency attached by ClinVar (database versions not stated): gnomAD exomes below 0.00001; TOPMed below 0.00001; gnomAD 0.00001.
gnomAD v4.1: 8 of 1,613,446 alleles (0.0005%); highest among the groups gnomAD compares: Non-Finnish European, 0.00059%; no homozygotes.

Submissions (2):

PreventionGenetics, part of Exact Sciences
Classification: Likely benign for RAI1-related condition. Last evaluated: 2026-02-22. Review status: criteria provided, single submitter. Criteria: ACMG Guidelines, 2015. Collection method: clinical testing. Allele origin: germline.
Comment: This variant is classified as likely benign based on ACMG/AMP sequence variant interpretation guidelines (Richards et al. 2015 PMID: 25741868, with internal and published modifications).

Labcorp Genetics (formerly Invitae), Labcorp
Classification: Likely benign. Last evaluated: 2023-05-25. Review status: criteria provided, single submitter. Criteria: Invitae Variant Classification Sherloc (09022015). Collection method: clinical testing. Allele origin: germline.